The following is an entry in ClinVar:

ClinVar aggregate classification (germline): Likely pathogenic (1 of 4 stars; one submission).

Conditions:
Premature ovarian failure 8 (POF8). Identifiers: MedGen C3810367, MONDO:0014321, OMIM 615723.

Submission:

Diagnostics Services (NGS), CSIR - Centre For Cellular And Molecular Biology
Classification: Likely pathogenic for Premature ovarian failure 8. Last evaluated: 2022-08-23. Review status: criteria provided, single submitter. Criteria: ACMG Guidelines, 2015. Collection method: clinical testing. Allele origin: unknown. Affected: yes. Observed: 1 variant allele, 1 homozygote.
Comment: The c.2221-1_2225delinsAC variant is not present in publicly available population databases like 1000 Genomes, Exome Variant Server (EVS), Exome Aggregation Consortium (ExAC), Genome Aggregation Database (gnomAD) and Indian Exome Database. The variant is not present in our in-house exome database. This variant has not been published in literature or reported to clinical databases like ClinVar, Human Genome Mutation Database (HGMD) and OMIM, in any affected individuals. In-silico pathogenicity prediction programs like MutationTaster2, CADD, Varsome, Franklin etc. predicted this variant to be likely deleterious. This variant disrupts the consensus splice-site and algorithms developed to predict the effect of sequence changes on RNA splicing suggest likely deleterious effect.

NM_001282717.2(STAG3):c.2221-1_2225delinsAC

Gene: STAG3 (STAG3 cohesin complex component; plus strand). Cytogenetic location: 7q22.1.
Variant type: Indel.
Coding change: c.2221-1_2225delinsAC on transcript NM_001282717.2 (MANE Select); the canonical splice acceptor site of the intron before coding-DNA position 2221 through coding-DNA position 2225, GGTTAT replaced by AC.
Molecular consequence: splice acceptor variant. On other transcripts: non-coding transcript variant (3).
Genome position (GRCh38, 1-based): chr7:100,201,785-100,201,790, GGTTAT replaced by AC. VCF-style: chr7-100201785-GGTTAT-AC. GRCh37 (hg19) VCF-style: chr7-99799408-GGTTAT-AC.
Other names: c.2221-1_2225delinsAC (NM_001282716.1, NM_012447.4, NM_001375438.1); c.2047-1_2051delinsAC (NM_001282718.2).
Identifiers: ClinVar variation 1802231 (VCV001802231.3), dbSNP rs2485013405, ClinGen allele CA2580075989.